The following is an entry in ClinVar:

ClinVar aggregate classification (germline): Uncertain significance. Review status: criteria provided, multiple submitters, no conflicts (2 of 4 stars). 2 submissions from 2 submitters: Uncertain significance (2). Last evaluated 2025-05-25.

Conditions:
Inborn genetic diseases. Identifiers: MedGen C0950123, MeSH D030342.

Allele frequency attached by ClinVar (database versions not stated): ExAC 0.00003; gnomAD exomes 0.00006; gnomAD 0.00009; TOPMed 0.00011.
gnomAD v4.1: 94 of 1,613,982 alleles (0.0058%); highest among the groups gnomAD compares: Admixed American, 0.032%; no homozygotes.

Submissions (2):

Labcorp Genetics (formerly Invitae), Labcorp
Classification: Uncertain significance. Last evaluated: 2025-05-25. Review status: criteria provided, single submitter. Criteria: Invitae Variant Classification Sherloc (09022015). Collection method: clinical testing. Allele origin: germline.
Comment: This sequence change replaces arginine, which is basic and polar, with glutamine, which is neutral and polar, at codon 117 of the NCSTN protein (p.Arg117Gln). This variant is present in population databases (rs200872648, gnomAD 0.03%). This variant has not been reported in the literature in individuals affected with NCSTN-related conditions. ClinVar contains an entry for this variant (Variation ID: 1422196). Invitae Evidence Modeling of protein sequence and biophysical properties (such as structural, functional, and spatial information, amino acid conservation, physicochemical variation, residue mobility, and thermodynamic stability) indicates that this missense variant is expected to disrupt NCSTN protein function with a positive predictive value of 80%. In summary, the available evidence is currently insufficient to determine the role of this variant in disease. Therefore, it has been classified as a Variant of Uncertain Significance.

Ambry Genetics
Classification: Uncertain significance for Inborn genetic diseases. Last evaluated: 2025-04-04. Review status: criteria provided, single submitter. Criteria: Ambry Variant Classification Scheme 2023. Collection method: clinical testing. Allele origin: germline.

NM_015331.3(NCSTN):c.350G>A (p.Arg117Gln)

Gene: NCSTN (nicastrin; plus strand). Cytogenetic location: 1q23.2.
Variant type: single nucleotide variant.
Coding change: c.350G>A on transcript NM_015331.3 (MANE Select); coding-DNA position 350, G replaced by A.
Protein change: p.Arg117Gln; replaces arginine 117 with glutamine.
Molecular consequence: missense variant.
Genome position (GRCh38, 1-based): chr1:160,349,584, G>A. VCF-style: chr1-160349584-G-A. GRCh37 (hg19) VCF-style: chr1-160319374-G-A.
Other names: c.350G>A (NM_015331.2); c.290G>A, p.Arg97Gln (NM_001290184.2); c.350G>A, p.Arg117Gln (NM_001290186.2, NM_001349729.2); short protein forms R117Q, R97Q.
Identifiers: ClinVar variation 1422196 (VCV001422196.9), dbSNP rs200872648, ClinGen allele CA1198688.